The following is an entry in ClinVar:

NM_152703.5(SAMD9L):c.1204C>T (p.Leu402Phe)

Gene: SAMD9L (sterile alpha motif domain containing 9 like; minus strand). Cytogenetic location: 7q21.2.
Variant type: single nucleotide variant.
Coding change: c.1204C>T on transcript NM_152703.5 (MANE Select); coding-DNA position 1204, C replaced by T.
Protein change: p.Leu402Phe; replaces leucine 402 with phenylalanine.
Molecular consequence: missense variant.
Genome position (GRCh38, 1-based): chr7:93,134,768, G>A on the plus strand (C>T on the coding strand, the complement: SAMD9L is on the minus strand). VCF-style: chr7-93134768-G-A. GRCh37 (hg19) VCF-style: chr7-92764081-G-A.
Other names: c.1204C>T, p.Leu402Phe (NM_001303496.3, NM_001303497.3, NM_001303498.3 and 5 more transcripts); c.1204C>T (NM_152703.2); short protein forms L402F.
Identifiers: ClinVar variation 3686185 (VCV003686185.3).

ClinVar aggregate classification (germline): Uncertain significance. Review status: criteria provided, multiple submitters, no conflicts (2 of 4 stars). 2 submissions from 2 submitters: Uncertain significance (2). Last evaluated 2026-05-24.

Conditions:
Inborn genetic diseases. Identifiers: MedGen C0950123, MeSH D030342.

Submissions (2):

Ambry Genetics
Classification: Uncertain significance for Inborn genetic diseases. Last evaluated: 2026-05-24. Review status: criteria provided, single submitter. Criteria: Ambry Variant Classification Scheme 2023. Collection method: clinical testing. Allele origin: germline.
Comment: The p.L402F variant (also known as c.1204C>T), located in coding exon 1 of the SAMD9L gene, results from a C to T substitution at nucleotide position 1204. The leucine at codon 402 is replaced by phenylalanine, an amino acid with highly similar properties. This amino acid position is conserved. In addition, this alteration is predicted to be tolerated by in silico analysis. Based on the available evidence, the clinical significance of this variant remains unclear.

Labcorp Genetics (formerly Invitae), Labcorp
Classification: Uncertain significance. Last evaluated: 2024-11-05. Review status: criteria provided, single submitter. Criteria: Invitae Variant Classification Sherloc (09022015). Collection method: clinical testing. Allele origin: germline.
Comment: This sequence change replaces leucine, which is neutral and non-polar, with phenylalanine, which is neutral and non-polar, at codon 402 of the SAMD9L protein (p.Leu402Phe). This variant is not present in population databases (gnomAD no frequency). This variant has not been reported in the literature in individuals affected with SAMD9L-related conditions. Invitae Evidence Modeling of protein sequence and biophysical properties (such as structural, functional, and spatial information, amino acid conservation, physicochemical variation, residue mobility, and thermodynamic stability) indicates that this missense variant is not expected to disrupt SAMD9L protein function with a negative predictive value of 80%. In summary, the available evidence is currently insufficient to determine the role of this variant in disease. Therefore, it has been classified as a Variant of Uncertain Significance.